The following is an entry in ClinVar:

NM_001009944.3(PKD1):c.10435G>A (p.Glu3479Lys)

Gene: PKD1 (polycystin 1, transient receptor potential channel interacting; minus strand). Cytogenetic location: 16p13.3.
Variant type: single nucleotide variant.
Coding change: c.10435G>A on transcript NM_001009944.3 (MANE Select); coding-DNA position 10435, G replaced by A.
Protein change: p.Glu3479Lys; replaces glutamic acid 3479 with lysine.
Molecular consequence: missense variant.
Genome position (GRCh38, 1-based): chr16:2,097,212, C>T on the plus strand (G>A on the coding strand, the complement: PKD1 is on the minus strand). VCF-style: chr16-2097212-C-T. GRCh37 (hg19) VCF-style: chr16-2147213-C-T.
Other names: c.10432G>A, p.Glu3478Lys (NM_000296.4); short protein forms E3478K, E3479K.
Identifiers: ClinVar variation 1331283 (VCV001331283.3), dbSNP rs779460999, ClinGen allele CA7829582.

ClinVar aggregate classification (germline): Uncertain significance. Review status: criteria provided, multiple submitters, no conflicts (2 of 4 stars). 2 submissions from 2 submitters: Uncertain significance (2). Last evaluated 2021-07-01.

Conditions:
Polycystic kidney disease, adult type (PKD1). Also called: Polycystic Kidney, Autosomal Dominant; POLYCYSTIC KIDNEY DISEASE, ADULT, TYPE I; Polycystic Kidney Disease 1, Autosomal Dominant; Polycystic kidney disease 1; Polycystic kidney disease 1, severe; POLYCYSTIC KIDNEY DISEASE 1 WITH OR WITHOUT POLYCYSTIC LIVER DISEASE. Identifiers: MedGen C3149841, MONDO:0008263, OMIM 173900.

Allele frequency attached by ClinVar (database versions not stated): TOPMed 0.00001; gnomAD exomes 0.00002; gnomAD 0.00003.
gnomAD v4.1: 38 of 1,571,338 alleles (0.0024%); highest among the groups gnomAD compares: Middle Eastern, 0.15%; no homozygotes.

Submissions (2):

GeneDx
Classification: Uncertain significance. Last evaluated: 2021-07-01. Review status: criteria provided, single submitter. Criteria: GeneDx Variant Classification Process June 2021. Collection method: clinical testing. Allele origin: germline. Affected: yes.
Comment: In silico analysis supports that this missense variant does not alter protein structure/function; Has not been previously published as pathogenic or benign to our knowledge; This variant is associated with the following publications: (PMID: 27535533)

Department of Pathology and Laboratory Medicine, Sinai Health System
Classification: Uncertain significance for Polycystic kidney disease, adult type. Last evaluated: 2019-11-04. Review status: criteria provided, single submitter. Criteria: ACMG Guidelines, 2015. Collection method: clinical testing. Allele origin: germline. Affected: yes.